The following is an entry in ClinVar:

NM_000051.4(ATM):c.2166G>C (p.Leu722Phe)

Gene: ATM (ATM serine/threonine kinase; plus strand). Cytogenetic location: 11q22.3.
Variant type: single nucleotide variant.
Coding change: c.2166G>C on transcript NM_000051.4 (MANE Select); coding-DNA position 2166, G replaced by C.
Protein change: p.Leu722Phe; replaces leucine 722 with phenylalanine.
Molecular consequence: missense variant.
Genome position (GRCh38, 1-based): chr11:108,256,256, G>C. VCF-style: chr11-108256256-G-C. GRCh37 (hg19) VCF-style: chr11-108126983-G-C.
Other names: c.2166G>C, p.Leu722Phe (NM_001351834.2); short protein forms L722F.
Identifiers: ClinVar variation 1692524 (VCV001692524.8), dbSNP rs1555074886, ClinGen allele CA382538780.
Genomic context (GRCh38, chr11:108,256,256, plus strand): 5'-ATTTGTGGTTTACTTTAAGATTACAAATTCAGAAACTCTTGTCCGGTGTTCACGTCTTTT[G>C]GTGGGTGTCCTTGGCTGCTACTGTTACATGGGTGTAATAGCTGAAGAGGAAGCATATAAG-3'
Protein context (NP_000042.3, residues 712-732): SETLVRCSRL[Leu722Phe]VGVLGCYCYM

ClinVar aggregate classification (germline): Uncertain significance. Review status: criteria provided, multiple submitters, no conflicts (2 of 4 stars). 4 submissions from 4 submitters: Uncertain significance (4). Last evaluated 2023-11-02.

Conditions:
Hereditary cancer-predisposing syndrome. Also called: Neoplastic Syndromes, Hereditary; Hereditary Cancer Syndrome; Tumor predisposition; Hereditary neoplastic syndrome. Identifiers: Orphanet 140162, MedGen C0027672, MeSH D009386, MONDO:0015356.
Ataxia-telangiectasia syndrome (AT). Also called: Ataxia telangiectasia (A-T); Ataxia-telangiectasia, complementation group D; ATAXIA-TELANGIECTASIA, COMPLEMENTATION GROUP A; ATAXIA-TELANGIECTASIA, FRESNO VARIANT; Cerebello-oculocutaneous telangiectasia; Immunodeficiency with ataxia telangiectasia. Identifiers: Orphanet 100, MedGen C0004135, MONDO:0008840, OMIM 208900.

Allele frequency attached by ClinVar (database versions not stated): gnomAD exomes below 0.00001.
gnomAD v4.1: 2 of 1,610,180 alleles (0.00012%); highest among the groups gnomAD compares: Non-Finnish European, 0.00017%; no homozygotes.

Submissions (4):

GeneDx
Classification: Uncertain significance. Last evaluated: 2023-11-02. Review status: criteria provided, single submitter. Criteria: GeneDx Variant Classification Process June 2021. Collection method: clinical testing. Allele origin: germline. Affected: yes.
Comment: Not observed at significant frequency in large population cohorts (gnomAD); In silico analysis supports that this missense variant does not alter protein structure/function; Has not been previously published as pathogenic or benign to our knowledge

Labcorp Genetics (formerly Invitae), Labcorp
Classification: Uncertain significance for Ataxia-telangiectasia syndrome. Last evaluated: 2023-11-01. Review status: criteria provided, single submitter. Criteria: Invitae Variant Classification Sherloc (09022015). Collection method: clinical testing. Allele origin: germline.
Comment: This sequence change replaces leucine, which is neutral and non-polar, with phenylalanine, which is neutral and non-polar, at codon 722 of the ATM protein (p.Leu722Phe). This variant is not present in population databases (gnomAD no frequency). This variant has not been reported in the literature in individuals affected with ATM-related conditions. ClinVar contains an entry for this variant (Variation ID: 1692524). An algorithm developed to predict the effect of missense changes on protein structure and function (PolyPhen-2) suggests that this variant is likely to be disruptive. In summary, the available evidence is currently insufficient to determine the role of this variant in disease. Therefore, it has been classified as a Variant of Uncertain Significance.

Ambry Genetics
Classification: Uncertain significance for Hereditary cancer-predisposing syndrome. Last evaluated: 2023-04-30. Review status: criteria provided, single submitter. Criteria: Ambry Variant Classification Scheme 2023. Collection method: clinical testing. Allele origin: germline.
Comment: The p.L722F variant (also known as c.2166G>C), located in coding exon 13 of the ATM gene, results from a G to C substitution at nucleotide position 2166. The leucine at codon 722 is replaced by phenylalanine, an amino acid with highly similar properties. This amino acid position is highly conserved in available vertebrate species. In addition, the in silico prediction for this alteration is inconclusive. Since supporting evidence is limited at this time, the clinical significance of this alteration remains unclear.

Sema4
Classification: Uncertain significance for Hereditary cancer-predisposing syndrome. Last evaluated: 2021-07-26. Review status: criteria provided, single submitter. Criteria: Sema4 Curation Guidelines. Collection method: curation. Allele origin: germline.
Comment: The ATM c.2166G>C (p.L722F) variant has not been reported in the literature to our knowledge. It was not observed in the large and broad cohorts of the Genome Aggregation Database (PMID: 32461654). The variant has not been reported in ClinVar. Functional studies have not been performed, and in silico predictions of the variant's effect on protein function are inconclusive. The evidence is insufficient to meet ACMG/AMP criteria for classifying the variant as benign or pathogenic. Thus, the clinical significance of this variant is currently uncertain.